The following is an entry in ClinVar:

NM_001160372.4(TRAPPC9):c.-11+6T>G

Genes: TRAPPC9 (trafficking protein particle complex subunit 9; minus strand), LOC130001256 (ATAC-STARR-seq lymphoblastoid silent region 19576; plus strand). Cytogenetic location: 8q24.3.
Variant type: single nucleotide variant.
Coding change: c.-11+6T>G on transcript NM_001160372.4 (MANE Select); 6 bases into the intron after 11 bases upstream of the start codon, T replaced by G.
Molecular consequence: intron variant.
Genome position (GRCh38, 1-based): chr8:140,457,633, A>C on the plus strand (T>G on the coding strand, the complement: TRAPPC9 is on the minus strand). VCF-style: chr8-140457633-A-C. GRCh37 (hg19) VCF-style: chr8-141467732-A-C.
Other names: c.-11+648T>G (NM_031466.8); c.-11+6T>G (NM_001321646.2, NM_001374684.1, NM_001374683.1 and 1 more transcripts).
Identifiers: ClinVar variation 2580092 (VCV002580092.1), dbSNP rs2540589476, ClinGen allele CA2580617925.

ClinVar aggregate classification (germline): Uncertain significance (1 of 4 stars; one submission).

Submission:

GeneDx
Classification: Uncertain significance. Last evaluated: 2023-03-17. Review status: criteria provided, single submitter. Criteria: GeneDx Variant Classification Process June 2021. Collection method: clinical testing. Allele origin: germline. Affected: yes.
Comment: In silico analysis supports a deleterious effect on splicing; No data available from ethnically-matched control populations to assess the frequency of this variant; Has not been previously published as pathogenic or benign to our knowledge